The following is an entry in ClinVar:

NM_000302.4(PLOD1):c.1A>G (p.Met1Val)

Gene: PLOD1 (procollagen-lysine,2-oxoglutarate 5-dioxygenase 1; plus strand). Cytogenetic location: 1p36.22.
Variant type: single nucleotide variant.
Coding change: c.1A>G on transcript NM_000302.4 (MANE Select); coding-DNA position 1, A replaced by G.
Protein change: p.Met1Val; changes the start codon (methionine 1).
Molecular consequence: missense variant, initiator codon variant.
Genome position (GRCh38, 1-based): chr1:11,934,780, A>G. VCF-style: chr1-11934780-A-G. GRCh37 (hg19) VCF-style: chr1-11994837-A-G.
Other names: c.1A>G, p.Met1Val (NM_001316320.2); short protein forms M1V.
Identifiers: ClinVar variation 3371745 (VCV003371745.1).

ClinVar aggregate classification (germline): Pathogenic (1 of 4 stars; one submission).

Submission:

GeneDx
Classification: Pathogenic. Last evaluated: 2024-04-01. Review status: criteria provided, single submitter. Criteria: GeneDx Variant Classification Process June 2021. Collection method: clinical testing. Allele origin: germline. Affected: yes.
Comment: Has not been previously published as pathogenic or benign to our knowledge; Initiation codon variant in a gene for which loss of function is a known mechanism of disease